The following is an entry in ClinVar:

NM_130839.5(UBE3A):c.-153G>A

Genes: SNHG14 (small nucleolar RNA host gene 14; plus strand), UBE3A (ubiquitin protein ligase E3A; minus strand). Cytogenetic location: 15q11.2.
Variant type: single nucleotide variant.
Coding change: c.-153G>A on transcript NM_130839.5 (MANE Select); 153 bases upstream of the start codon, G replaced by A.
Molecular consequence: 5 prime UTR variant. On other transcripts: intron variant (5).
Genome position (GRCh38, 1-based): chr15:25,411,960, C>T on the plus strand (G>A on the coding strand, the complement: UBE3A is on the minus strand). VCF-style: chr15-25411960-C-T. GRCh37 (hg19) VCF-style: chr15-25657107-C-T.
Other names: c.-209G>A (NM_000462.5); c.-153G>A (NM_001354505.1, NM_001354538.2, NM_001354545.2 and 1 more transcripts); c.-349G>A (NM_001354506.2); c.-409G>A (NM_001354507.2, NM_001354508.2, NM_001354540.2 and 1 more transcripts); c.-522G>A (NM_001354509.2); c.-359G>A (NM_001354511.2); c.-375G>A (NM_001354512.2); c.-379G>A (NM_001354513.2); and 9 more.
Identifiers: ClinVar variation 137881 (VCV000137881.1), dbSNP rs541619343, ClinGen allele CA291603.
Genomic context (GRCh38, chr15:25,411,960, plus strand): 5'-AAACATACCATATTTCGCCAAACTTCTGAGGAGCTGGTGAATTCTAAAATCAGGCTCTTA[C>T]AGATTTTTAACCTAAAATATAAAACACCTCACTCAATTCTTTTTACATAAACAACTGGAT-3'

ClinVar aggregate classification (germline): Benign (1 of 4 stars; one submission).

Allele frequency attached by ClinVar (database versions not stated): TOPMed 0.00095; gnomAD 0.00097 and 0.00103; 1000 Genomes Project 0.00100; 1000 Genomes Project 30x 0.00109.
gnomAD v4.1: 147 of 152,274 alleles (0.097%); highest among the groups gnomAD compares: African/African-American, 0.34%; 1 homozygote.

Submission:

GeneDx
Classification: Benign. Last evaluated: 2014-03-14. Review status: criteria provided, single submitter. Criteria: GeneDx Variant Classification (06012015). Collection method: clinical testing. Allele origin: germline. Affected: yes.
Comment: This variant is considered likely benign or benign based on one or more of the following criteria: it is a conservative change, it occurs at a poorly conserved position in the protein, it is predicted to be benign by multiple in silico algorithms, and/or has population frequency not consistent with disease.